The following is an entry in ClinVar:

ClinVar aggregate classification (germline): Benign (0 of 4 stars; one submission).

Conditions:
NAV2-related disorder. Also called: NAV2-related condition.

Allele frequency attached by ClinVar (database versions not stated): ExAC 0.09431; 1000 Genomes Project 0.13319; 1000 Genomes Project 30x 0.13773; gnomAD 0.13789; TOPMed 0.14466; ESP Exome Variant Server 0.15039.
gnomAD v4.1: 151,511 of 1,613,818 alleles (9.4%); highest among the groups gnomAD compares: African/African-American, 28%; 8,822 homozygotes.

Submission:

PreventionGenetics, part of Exact Sciences
Classification: Benign for NAV2-related condition. Last evaluated: 2019-11-26. Review status: no assertion criteria provided. Collection method: clinical testing. Allele origin: germline.
Comment: This variant is classified as benign based on ACMG/AMP sequence variant interpretation guidelines (Richards et al. 2015 PMID: 25741868, with internal and published modifications).

NM_145117.5(NAV2):c.2768+9G>A

Gene: NAV2 (neuron navigator 2; plus strand). Cytogenetic location: 11p15.1.
Variant type: single nucleotide variant.
Coding change: c.2768+9G>A on transcript NM_145117.5 (MANE Select); 9 bases into the intron after coding-DNA position 2768, G replaced by A.
Molecular consequence: intron variant.
Genome position (GRCh38, 1-based): chr11:19,984,256, G>A. VCF-style: chr11-19984256-G-A. GRCh37 (hg19) VCF-style: chr11-20005802-G-A.
Other names: c.2576+9G>A (NM_001111018.2); c.2837+9G>A (NM_001244963.2); c.2768+9G>A (NM_182964.6).
Identifiers: ClinVar variation 3055960 (VCV003055960.2), dbSNP rs6483629, ClinGen allele CA5918246.
Genomic context (GRCh38, chr11:19,984,256, plus strand): 5'-TACGGGAGACCCTGCAACGAAATACCTCCCTGGGCCTCGGAGACGCTGACAGGTAAGCTT[G>A]CTGCACTTGGGGCTGGTCAGATGCAGAGGTGATCCCAGGGGGGCCCTGAGAAATGAGGGT-3'